The following is an entry in ClinVar:

NM_007294.4(BRCA1):c.4357G>A (p.Ala1453Thr)

Gene: BRCA1 (BRCA1 DNA repair associated; minus strand). Cytogenetic location: 17q21.31.
Variant type: single nucleotide variant.
Coding change: c.4357G>A on transcript NM_007294.4 (MANE Select); coding-DNA position 4357, G replaced by A.
Protein change: p.Ala1453Thr; replaces alanine 1453 with threonine.
Molecular consequence: missense variant. On other transcripts: non-coding transcript variant (1).
Genome position (GRCh38, 1-based): chr17:43,082,404, C>T on the plus strand (G>A on the coding strand, the complement: BRCA1 is on the minus strand). VCF-style: chr17-43082404-C-T. GRCh37 (hg19) VCF-style: chr17-41234421-C-T.
Other names: c.4213G>A, p.Ala1405Thr (NM_001407744.1, NM_001407745.1, NM_001407746.1 and 11 more transcripts); c.4213G>A, p.Val1405Ile (NM_001407838.1, NM_001407839.1, NM_001407841.1 and 8 more transcripts); c.4354G>A, p.Ala1452Thr (NM_001407860.1, NM_001407610.1, NM_001407611.1 and 7 more transcripts); c.4354G>A, p.Val1452Ile (NM_001407861.1, NM_001407633.1, NM_001407634.1 and 8 more transcripts); c.4156G>A, p.Ala1386Thr (NM_001407862.1); c.4234G>A, p.Val1412Ile (NM_001407863.1, NM_001407677.1, NM_001407678.1 and 3 more transcripts); c.4153G>A, p.Val1385Ile (NM_001407874.1, NM_001407875.1); c.4147G>A, p.Ala1383Thr (NM_001407879.1, NM_001407881.1, NM_001407882.1 and 5 more transcripts); and 98 more; short protein forms A1453T, V350I, D1453N, A1406T, A1386T, A182T, A237T, A241T.
Identifiers: ClinVar variation 1491600 (VCV001491600.9), dbSNP rs1555583984, ClinGen allele CA10593006.

ClinVar aggregate classification (germline): Uncertain significance. Review status: criteria provided, multiple submitters, no conflicts (2 of 4 stars). 2 submissions from 2 submitters: Uncertain significance (2). Last evaluated 2025-04-01.

Conditions:
Hereditary cancer-predisposing syndrome. Also called: Tumor predisposition; Hereditary neoplastic syndrome; Neoplastic Syndromes, Hereditary; Hereditary Cancer Syndrome. Identifiers: Orphanet 140162, MedGen C0027672, MeSH D009386, MONDO:0015356.
Hereditary breast ovarian cancer syndrome. Also called: Hereditary breast and ovarian cancer; Hereditary breast and ovarian cancer syndrome; Hereditary breast and/or ovarian cancer syndrome; Hereditary breast and ovarian cancer syndrome (HBOC); Breast and ovarian cancer; BRCA1- and BRCA2-Associated Hereditary Breast and Ovarian Cancer. Identifiers: Orphanet 145, MedGen C0677776, MeSH D061325, MONDO:0003582. Disease mechanism: loss of function.

Allele frequency attached by ClinVar (database versions not stated): gnomAD exomes below 0.00001.
gnomAD v4.1: 1 of 1,613,470 alleles (0.000062%); highest among the groups gnomAD compares: East Asian, 0.0022%; no homozygotes.

Submissions (2):

Labcorp Genetics (formerly Invitae), Labcorp
Classification: Uncertain significance for Hereditary breast ovarian cancer syndrome. Last evaluated: 2025-04-01. Review status: criteria provided, single submitter. Criteria: Invitae Variant Classification Sherloc (09022015). Collection method: clinical testing. Allele origin: germline.
Comment: This sequence change replaces alanine, which is neutral and non-polar, with threonine, which is neutral and polar, at codon 1453 of the BRCA1 protein (p.Ala1453Thr). This variant also falls at the last nucleotide of exon 12, which is part of the consensus splice site for this exon. This variant is not present in population databases (gnomAD no frequency). This variant has not been reported in the literature in individuals affected with BRCA1-related conditions. ClinVar contains an entry for this variant (Variation ID: 1491600). An algorithm developed to predict the effect of missense changes on protein structure and function (PolyPhen-2) suggests that this variant is likely to be tolerated. Variants that disrupt the consensus splice site are a relatively common cause of aberrant splicing (PMID: 17576681, 9536098). RNA analysis performed to evaluate the impact of this missense change on mRNA splicing indicates it does not significantly alter splicing (internal data). In summary, the available evidence is currently insufficient to determine the role of this variant in disease. Therefore, it has been classified as a Variant of Uncertain Significance.

Ambry Genetics
Classification: Uncertain significance for Hereditary cancer-predisposing syndrome. Last evaluated: 2022-10-18. Review status: criteria provided, single submitter. Criteria: Ambry Variant Classification Scheme 2023. Collection method: clinical testing. Allele origin: germline.
Comment: The p.A1453T variant (also known as c.4357G>A), located in coding exon 11 of the BRCA1 gene, results from a G to A substitution at nucleotide position 4357. The alanine at codon 1453 is replaced by threonine, an amino acid with similar properties. However, this change occurs in the last base pair of coding exon 11 and may have some effect on normal mRNA splicing. This nucleotide position is highly conserved in available vertebrate species. In silico splice site analysis for this alteration is inconclusive. This amino acid position is not well conserved in available vertebrate species. In addition, as a missense substitution this is predicted to be tolerated by in silico analysis. Since supporting evidence is limited at this time, the clinical significance of this alteration remains unclear.

Literature cited by the submitters: PubMed 17576681 (cited by Labcorp Genetics (formerly Invitae), Labcorp); PubMed 9536098 (cited by Labcorp Genetics (formerly Invitae), Labcorp).